The following is an entry in ClinVar:

NM_001110556.2(FLNA):c.6002G>T (p.Arg2001Leu)

Gene: FLNA (filamin A; minus strand). Cytogenetic location: Xq28.
Variant type: single nucleotide variant.
Coding change: c.6002G>T on transcript NM_001110556.2 (MANE Select); coding-DNA position 6002, G replaced by T.
Protein change: p.Arg2001Leu; replaces arginine 2001 with leucine.
Molecular consequence: missense variant.
Genome position (GRCh38, 1-based): chrX:154,353,316, C>A on the plus strand (G>T on the coding strand, the complement: FLNA is on the minus strand). VCF-style: chrX-154353316-C-A. GRCh37 (hg19) VCF-style: chrX-153581684-C-A.
Other names: c.5978G>T, p.Arg1993Leu (NM_001456.4); short protein forms R2001L, R1993L.
Identifiers: ClinVar variation 2953666 (VCV002953666.3), dbSNP rs1483960506, ClinGen allele CA415197093.

ClinVar aggregate classification (germline): Uncertain significance (1 of 4 stars; one submission).

Conditions:
Heterotopia, periventricular, X-linked dominant (PVNH1). Also called: PERIVENTRICULAR NODULAR HETEROTOPIA 1; X-linked periventricular heterotopia; PERIVENTRICULAR NODULAR HETEROTOPIA 4; HETEROTOPIA, PERIVENTRICULAR, 1. Identifiers: Orphanet 2149, Orphanet 82004, MedGen C1848213, MONDO:0010233, OMIM 300049.
Melnick-Needles syndrome (MNS). Also called: Melnick-Needles Syndrome (FLNA-MNS); MELNICK-NEEDLES OSTEODYSPLASTY; OSTEODYSPLASTY OF MELNICK AND NEEDLES. Identifiers: Orphanet 2484, MedGen C0025237, MONDO:0010650, OMIM 309350.
Frontometaphyseal dysplasia (FMD1). Identifiers: Orphanet 1826, MedGen C0265293, MONDO:0015942.
Oto-palato-digital syndrome, type II (OPD2). Also called: Otopalatodigital Syndrome Type 2 (FLNA-OPD2); FACIOPALATOOSSEOUS SYNDROME; OPD II SYNDROME; Otopalatodigital Syndrome, Type II. Identifiers: Orphanet 669, Orphanet 90652, MedGen C1844696, MONDO:0010571, OMIM 304120.

Submission:

Labcorp Genetics (formerly Invitae), Labcorp
Classification: Uncertain significance for Oto-palato-digital syndrome, type II; Heterotopia, periventricular, X-linked dominant; Frontometaphyseal dysplasia; Melnick-Needles syndrome. Last evaluated: 2023-11-16. Review status: criteria provided, single submitter. Criteria: Invitae Variant Classification Sherloc (09022015). Collection method: clinical testing. Allele origin: germline.
Comment: This sequence change replaces arginine, which is basic and polar, with leucine, which is neutral and non-polar, at codon 1993 of the FLNA protein (p.Arg1993Leu). This variant is not present in population databases (gnomAD no frequency). This variant has not been reported in the literature in individuals affected with FLNA-related conditions. Advanced modeling of protein sequence and biophysical properties (such as structural, functional, and spatial information, amino acid conservation, physicochemical variation, residue mobility, and thermodynamic stability) performed at Invitae indicates that this missense variant is not expected to disrupt FLNA protein function with a negative predictive value of 95%. In summary, the available evidence is currently insufficient to determine the role of this variant in disease. Therefore, it has been classified as a Variant of Uncertain Significance.